The following is an entry in ClinVar:

NM_182961.4(SYNE1):c.20818T>G (p.Ser6940Ala)

Gene: SYNE1 (spectrin repeat containing nuclear envelope protein 1; minus strand). Cytogenetic location: 6q25.2.
Variant type: single nucleotide variant.
Coding change: c.20818T>G on transcript NM_182961.4 (MANE Select); coding-DNA position 20818, T replaced by G.
Protein change: p.Ser6940Ala; replaces serine 6940 with alanine.
Molecular consequence: missense variant.
Genome position (GRCh38, 1-based): chr6:152,232,160, A>C on the plus strand (T>G on the coding strand, the complement: SYNE1 is on the minus strand). VCF-style: chr6-152232160-A-C. GRCh37 (hg19) VCF-style: chr6-152553295-A-C.
Other names: c.20605T>G, p.Ser6869Ala (NM_033071.5); short protein forms S6869A, S6940A.
Identifiers: ClinVar variation 1903630 (VCV001903630.5), dbSNP rs994877216, ClinGen allele CA150190418.

ClinVar aggregate classification (germline): Uncertain significance (1 of 4 stars; one submission).

Conditions:
Emery-Dreifuss muscular dystrophy 4, autosomal dominant (EDMD4). Also called: EMERY-DREIFUSS MUSCULAR DYSTROPHY 4 WITH VARIABLE FEATURES. Identifiers: Orphanet 261, MedGen C2751807, MONDO:0013071, OMIM 612998.
Autosomal recessive ataxia, Beauce type. Also called: SYNE1-Related Autosomal Recessive Cerebellar Ataxia; SYNE1 Deficiency; Spinocerebellar ataxia, autosomal recessive 8; ATAXIA, RECESSIVE, OF BEAUCE. Identifiers: Orphanet 88644, MedGen C1853116, MONDO:0012549, OMIM 610743.

Allele frequency attached by ClinVar (database versions not stated): TOPMed 0.00001; gnomAD exomes 0.00002.
gnomAD v4.1: 14 of 1,607,726 alleles (0.00087%); highest among the groups gnomAD compares: Non-Finnish European, 0.0012%; no homozygotes.

Submission:

Labcorp Genetics (formerly Invitae), Labcorp
Classification: Uncertain significance for Emery-Dreifuss muscular dystrophy 4, autosomal dominant; Autosomal recessive ataxia, Beauce type. Last evaluated: 2023-10-13. Review status: criteria provided, single submitter. Criteria: Invitae Variant Classification Sherloc (09022015). Collection method: clinical testing. Allele origin: germline.
Comment: This sequence change replaces serine, which is neutral and polar, with alanine, which is neutral and non-polar, at codon 6869 of the SYNE1 protein (p.Ser6869Ala). This variant is not present in population databases (gnomAD no frequency). This variant has not been reported in the literature in individuals affected with SYNE1-related conditions. ClinVar contains an entry for this variant (Variation ID: 1903630). Algorithms developed to predict the effect of missense changes on protein structure and function output the following: SIFT: "Not Available"; PolyPhen-2: "Benign"; Align-GVGD: "Not Available". The alanine amino acid residue is found in multiple mammalian species, which suggests that this missense change does not adversely affect protein function. In summary, the available evidence is currently insufficient to determine the role of this variant in disease. Therefore, it has been classified as a Variant of Uncertain Significance.